The following is an entry in ClinVar:

ClinVar aggregate classification (germline): Uncertain significance. Review status: criteria provided, multiple submitters, no conflicts (2 of 4 stars). 4 submissions from 4 submitters: Uncertain significance (4). Last evaluated 2025-12-08.

Conditions:
Inborn genetic diseases. Identifiers: MedGen C0950123, MeSH D030342.
Autoimmune lymphoproliferative syndrome, type III caused by mutation in PRKCD. Identifiers: Orphanet 3261, Orphanet 664711, MedGen C3809928, MONDO:8000024, OMIM 615559.

Allele frequency attached by ClinVar (database versions not stated): gnomAD 0.00001; TOPMed 0.00001; ExAC 0.00002; gnomAD exomes 0.00002 and 0.00003; ESP Exome Variant Server 0.00008.
gnomAD v4.1: 32 of 1,614,060 alleles (0.002%); highest among the groups gnomAD compares: Non-Finnish European, 0.0027%; no homozygotes.

Submissions (5):

Labcorp Genetics (formerly Invitae), Labcorp
Classification: Uncertain significance for Autoimmune lymphoproliferative syndrome, type III caused by mutation in PRKCD. Last evaluated: 2025-12-08. Review status: criteria provided, single submitter. Criteria: Invitae Variant Classification Sherloc (09022015). Collection method: clinical testing. Allele origin: germline.
Comment: This sequence change replaces serine, which is neutral and polar, with glycine, which is neutral and non-polar, at codon 331 of the PRKCD protein (p.Ser331Gly). This variant is present in population databases (rs140359417, gnomAD 0.004%). This variant has not been reported in the literature in individuals affected with PRKCD-related conditions. ClinVar contains an entry for this variant (Variation ID: 937453). An algorithm developed to predict the effect of missense changes on protein structure and function (PolyPhen-2) suggests that this variant is likely to be tolerated. In summary, the available evidence is currently insufficient to determine the role of this variant in disease. Therefore, it has been classified as a Variant of Uncertain Significance.

St. Jude Molecular Pathology, St. Jude Children's Research Hospital
Classification: Uncertain significance for Autoimmune lymphoproliferative syndrome, type III caused by mutation in PRKCD. Last evaluated: 2024-06-27. Review status: criteria provided, single submitter. Criteria: St. Jude Assertion Criteria 2020. Collection method: clinical testing. Allele origin: germline.
Comment: The PRKCD c.991A>G (p.Ser331Gly) missense change has a maximum subpopulation frequency of 0.0062% in gnomAD v2.1.1. The in silico tool REVEL predicts a benign effect on protein function, but to our knowledge this prediction has not been confirmed by functional studies. To our knowledge, this variant has not been reported in individuals with PRKCD-related lymphoproliferative syndrome. In summary, the evidence currently available is insufficient to determine the clinical significance of this variant. It has therefore been classified as of uncertain significance.

Ambry Genetics
Classification: Uncertain significance for Inborn genetic diseases. Last evaluated: 2024-03-26. Review status: criteria provided, single submitter. Criteria: Ambry Variant Classification Scheme 2023. Collection method: clinical testing. Allele origin: germline.

GeneDx
Classification: Uncertain significance. Last evaluated: 2023-02-17. Review status: criteria provided, single submitter. Criteria: GeneDx Variant Classification Process June 2021. Collection method: clinical testing. Allele origin: germline. Affected: yes.
Comment: In silico analysis supports that this missense variant does not alter protein structure/function; Has not been previously published as pathogenic or benign to our knowledge

Dr. Peter K. Rogan Lab, Western University
No classification provided (evidence only). Condition: Thyroid cancer, nonmedullary, 1. Review status: no classification provided. Collection method: in vitro. Allele origin: not applicable. Functional consequence: retained intron. Not counted in ClinVar's aggregate classification.

NM_006254.4(PRKCD):c.991A>G (p.Ser331Gly)

Gene: PRKCD (protein kinase C delta; plus strand). Cytogenetic location: 3p21.1.
Variant type: single nucleotide variant.
Coding change: c.991A>G on transcript NM_006254.4 (MANE Select); coding-DNA position 991, A replaced by G.
Protein change: p.Ser331Gly; replaces serine 331 with glycine.
Molecular consequence: missense variant.
Genome position (GRCh38, 1-based): chr3:53,185,932, A>G. VCF-style: chr3-53185932-A-G. GRCh37 (hg19) VCF-style: chr3-53219948-A-G.
Other names: c.991A>G, p.Ser331Gly (NM_001316327.2, NM_001354679.2, NM_001354680.2 and 1 more transcripts); c.1048A>G, p.Ser350Gly (NM_001354676.2); c.1039A>G, p.Ser347Gly (NM_001354678.2); short protein forms S347G, S331G, S350G.
Identifiers: ClinVar variation 937453 (VCV000937453.9), dbSNP rs140359417, ClinGen allele CA2452065.